The following is an entry in ClinVar:

ClinVar aggregate classification (germline): Pathogenic (1 of 4 stars; one submission).

Conditions:
Hereditary cancer-predisposing syndrome. Also called: Tumor predisposition; Hereditary neoplastic syndrome; Hereditary Cancer Syndrome; Neoplastic Syndromes, Hereditary. Identifiers: Orphanet 140162, MedGen C0027672, MeSH D009386, MONDO:0015356.

Submission:

Ambry Genetics
Classification: Pathogenic for Hereditary cancer-predisposing syndrome. Last evaluated: 2022-12-01. Review status: criteria provided, single submitter. Criteria: Ambry Variant Classification Scheme 2023. Collection method: clinical testing. Allele origin: germline.
Comment: The c.1388_1389delTT pathogenic mutation, located in coding exon 10 of the SDHA gene, results from a deletion of two nucleotides at nucleotide positions 1388 to 1389, causing a translational frameshift with a predicted alternate stop codon (p.F463Wfs*17). This alteration is expected to result in loss of function by premature protein truncation or nonsense-mediated mRNA decay. As such, this alteration is interpreted as a disease-causing mutation.

NM_004168.4(SDHA):c.1388_1389del (p.Phe463fs)

Gene: SDHA (succinate dehydrogenase complex flavoprotein subunit A; plus strand). Cytogenetic location: 5p15.33.
Variant type: Deletion.
Coding change: c.1388_1389del on transcript NM_004168.4 (MANE Select); coding-DNA positions 1388 to 1389, 2 bases deleted (TT; older notation c.1388_1389delTT).
Protein change: p.Phe463fs; shifts the reading frame from phenylalanine 463.
Molecular consequence: frameshift variant.
Genome position (GRCh38, 1-based): chr5:236,555-236,556, TT deleted; deleting any 2 consecutive bases within chr5:236,554-236,556 gives the same sequence; the c. name uses the placement nearest the transcript's 3' end. VCF-style (leftmost placement, unchanged base first): chr5-236553-CTT-C. GRCh37 (hg19) VCF-style: chr5-236668-CTT-C.
Other names: c.1244_1245del, p.Phe415fs (NM_001294332.2); c.1388_1389del, p.Phe463fs (NM_001330758.2); short protein forms F415fs, F463fs.
Identifiers: ClinVar variation 3223720 (VCV003223720.1), dbSNP rs2477376548, ClinGen allele CA2825001404.